The following is an entry in ClinVar:

NM_014516.4(CNOT3):c.1040C>G (p.Ala347Gly)

Gene: CNOT3 (CCR4-NOT transcription complex subunit 3; plus strand). Cytogenetic location: 19q13.42.
Variant type: single nucleotide variant.
Coding change: c.1040C>G on transcript NM_014516.4 (MANE Select); coding-DNA position 1040, C replaced by G.
Protein change: p.Ala347Gly; replaces alanine 347 with glycine.
Molecular consequence: missense variant.
Genome position (GRCh38, 1-based): chr19:54,148,293, C>G. VCF-style: chr19-54148293-C-G. GRCh37 (hg19) VCF-style: chr19-54652028-C-G.
Other names: short protein forms A347G.
Identifiers: ClinVar variation 2528846 (VCV002528846.4), dbSNP rs370457959, ClinGen allele CA309339580.

ClinVar aggregate classification (germline): Conflicting classifications of pathogenicity. Review status: criteria provided, conflicting classifications (1 of 4 stars). 3 submissions from 3 submitters: Uncertain significance (1); Likely benign (2). Last evaluated 2025-09-20.

Conditions:
Inborn genetic diseases. Identifiers: MedGen C0950123, MeSH D030342.

Allele frequency attached by ClinVar (database versions not stated): ExAC 0.00006; ESP Exome Variant Server 0.00015; 1000 Genomes Project 30x 0.00016; gnomAD 0.00019; 1000 Genomes Project 0.00020; TOPMed 0.00028.
gnomAD v4.1: 53 of 1,609,130 alleles (0.0033%); highest among the groups gnomAD compares: African/African-American, 0.049%; no homozygotes.

Submissions (3):

Labcorp Genetics (formerly Invitae), Labcorp
Classification: Uncertain significance. Last evaluated: 2025-09-20. Review status: criteria provided, single submitter. Criteria: Invitae Variant Classification Sherloc (09022015). Collection method: clinical testing. Allele origin: germline.
Comment: This sequence change replaces alanine, which is neutral and non-polar, with glycine, which is neutral and non-polar, at codon 347 of the CNOT3 protein (p.Ala347Gly). This variant is present in population databases (rs370457959, gnomAD 0.05%), and has an allele count higher than expected for a pathogenic variant. This variant has not been reported in the literature in individuals affected with CNOT3-related conditions. ClinVar contains an entry for this variant (Variation ID: 2528846). An algorithm developed to predict the effect of missense changes on protein structure and function (PolyPhen-2) suggests that this variant is likely to be tolerated. In summary, the available evidence is currently insufficient to determine the role of this variant in disease. Therefore, it has been classified as a Variant of Uncertain Significance.

Blueprint Genetics
Classification: Likely benign. Last evaluated: 2024-03-05. Review status: criteria provided, single submitter. Criteria: ACMG Guidelines, 2015. Collection method: clinical testing. Allele origin: germline.

Ambry Genetics
Classification: Likely benign for Inborn genetic diseases. Last evaluated: 2023-04-17. Review status: criteria provided, single submitter. Criteria: Ambry Variant Classification Scheme 2023. Collection method: clinical testing. Allele origin: germline.